The following is an entry in ClinVar:

ClinVar aggregate classification (germline): Uncertain significance. Review status: criteria provided, multiple submitters, no conflicts (2 of 4 stars). 2 submissions from 2 submitters: Uncertain significance (2). Last evaluated 2026-08-17.

Conditions:
Hereditary cancer-predisposing syndrome. Also called: Tumor predisposition; Hereditary Cancer Syndrome; Hereditary neoplastic syndrome; Neoplastic Syndromes, Hereditary. Identifiers: Orphanet 140162, MedGen C0027672, MeSH D009386, MONDO:0015356.

Allele frequency attached by ClinVar (database versions not stated): gnomAD exomes below 0.00001; TOPMed below 0.00001; gnomAD 0.00002.

Submissions (2):

Ambry Genetics
Classification: Uncertain significance for Hereditary cancer-predisposing syndrome. Last evaluated: 2026-08-17. Review status: criteria provided, single submitter. Criteria: Ambry Variant Classification Scheme 2023. Collection method: clinical testing. Allele origin: germline.
Comment: The c.502delA variant, located in coding exon 1 of the HOXB13 gene, results from a deletion of one nucleotide at nucleotide position 502, causing a translational frameshift with a predicted alternate stop codon (p.S168Vfs*111). This variant occurs at the 3' terminus of the gene and is not expected to trigger nonsense-mediated mRNA decay. Based on the available evidence, the clinical significance of this variant remains unclear.

Labcorp Genetics (formerly Invitae), Labcorp
Classification: Uncertain significance. Last evaluated: 2025-07-16. Review status: criteria provided, single submitter. Criteria: Invitae Variant Classification Sherloc (09022015). Collection method: clinical testing. Allele origin: germline.
Comment: This sequence change creates a premature translational stop signal (p.Ser168Valfs*111) in the HOXB13 gene. While this is not anticipated to result in nonsense mediated decay, it is expected to disrupt the last 117 amino acid(s) of the HOXB13 protein. This variant is present in population databases (no rsID available, gnomAD 0.02%). This variant has not been reported in the literature in individuals affected with HOXB13-related conditions. ClinVar contains an entry for this variant (Variation ID: 1045277). Experimental studies and prediction algorithms are not available or were not evaluated, and the functional significance of this variant is currently unknown. In summary, the available evidence is currently insufficient to determine the role of this variant in disease. Therefore, it has been classified as a Variant of Uncertain Significance.

NM_006361.6(HOXB13):c.502del (p.Ser168fs)

Gene: HOXB13 (homeobox B13; minus strand). Cytogenetic location: 17q21.32.
Variant type: Deletion.
Coding change: c.502del on transcript NM_006361.6 (MANE Select); coding-DNA position 502, one base deleted (A; older notation c.502delA).
Protein change: p.Ser168fs; shifts the reading frame from serine 168.
Molecular consequence: frameshift variant.
Genome position (GRCh38, 1-based): chr17:48,728,092, T deleted on the plus strand (A on the coding strand, the reverse complement: HOXB13 is on the minus strand). VCF-style (leftmost placement, unchanged base first): chr17-48728091-CT-C. GRCh37 (hg19) VCF-style: chr17-46805453-CT-C.
Other names: c.502delA (NM_006361.5); short protein forms S168fs.
Identifiers: ClinVar variation 1045277 (VCV001045277.8), dbSNP rs1252059983, ClinGen allele CA626687060.